The following is an entry in ClinVar:

NM_033100.4(CDHR1):c.1791C>A (p.Asp597Glu)

Gene: CDHR1 (cadherin related family member 1; plus strand). Cytogenetic location: 10q23.1.
Variant type: single nucleotide variant.
Coding change: c.1791C>A on transcript NM_033100.4 (MANE Select); coding-DNA position 1791, C replaced by A.
Protein change: p.Asp597Glu; replaces aspartic acid 597 with glutamic acid.
Molecular consequence: missense variant.
Genome position (GRCh38, 1-based): chr10:84,213,099, C>A. VCF-style: chr10-84213099-C-A. GRCh37 (hg19) VCF-style: chr10-85972855-C-A.
Other names: c.1791C>A, p.Asp597Glu (NM_001171971.3); short protein forms D597E.
Identifiers: ClinVar variation 1903981 (VCV001903981.3), dbSNP rs568333300, ClinGen allele CA377378260.

ClinVar aggregate classification (germline): Uncertain significance (1 of 4 stars; one submission).

Submission:

Labcorp Genetics (formerly Invitae), Labcorp
Classification: Uncertain significance. Last evaluated: 2022-11-11. Review status: criteria provided, single submitter. Criteria: Invitae Variant Classification Sherloc (09022015). Collection method: clinical testing. Allele origin: germline.
Comment: In summary, the available evidence is currently insufficient to determine the role of this variant in disease. Therefore, it has been classified as a Variant of Uncertain Significance. Advanced modeling of protein sequence and biophysical properties (such as structural, functional, and spatial information, amino acid conservation, physicochemical variation, residue mobility, and thermodynamic stability) performed at Invitae indicates that this missense variant is expected to disrupt CDHR1 protein function. This variant has not been reported in the literature in individuals affected with CDHR1-related conditions. This variant is not present in population databases (gnomAD no frequency). This sequence change replaces aspartic acid, which is acidic and polar, with glutamic acid, which is acidic and polar, at codon 597 of the CDHR1 protein (p.Asp597Glu).